The following is an entry in ClinVar:

NM_153676.4(USH1C):c.925_926insTG (p.Gln309fs)

Gene: USH1C (USH1 protein network component harmonin; minus strand). Cytogenetic location: 11p15.1.
Variant type: Insertion.
Coding change: c.925_926insTG on transcript NM_153676.4 (MANE Select); coding-DNA positions 925 to 926, TG inserted.
Protein change: p.Gln309fs; shifts the reading frame from glutamine 309.
Molecular consequence: frameshift variant. On other transcripts: non-coding transcript variant (1).
Genome position: GRCh38 VCF-style: chr11-17522877-T-TCA. GRCh37 (hg19) VCF-style: chr11-17544424-T-TCA.
Other names: c.868_869insTG, p.Gln290fs (NM_001297764.2); c.925_926insTG, p.Gln309fs (NM_005709.4); short protein forms Q290fs, Q309fs.
Identifiers: ClinVar variation 1726195 (VCV001726195.2), dbSNP rs2497155740, ClinGen allele CA2580082786.

ClinVar aggregate classification (germline): Likely pathogenic (1 of 4 stars; one submission).

Conditions:
Usher syndrome type 1C. Also called: USHER SYNDROME, TYPE I, ACADIAN VARIETY. Identifiers: Orphanet 231169, Orphanet 886, MedGen C1848604, MONDO:0010171, OMIM 276904.

Submission:

Myriad Genetics, Inc.
Classification: Likely pathogenic for Usher syndrome type 1C. Last evaluated: 2022-05-21. Review status: criteria provided, single submitter. Criteria: Myriad Women's Health Autosomal Recessive and X-Linked Classification Criteria (2021). Collection method: clinical testing. Allele origin: unknown.
Comment: NM_005709.3(USH1C):c.925_926insTG(Q309Lfs*57) is expected to be pathogenic in the context of USH1C-related disorders. This variant is predicted to lead to an abnormal or absent protein product due to the creation of a premature termination codon in USH1C, a gene where loss-of-function variants are known to be pathogenic. Please note: this variant was assessed in the context of healthy population screening.